The following is an entry in ClinVar:

NM_005121.3(MED13):c.1344G>A (p.Gln448=)

Gene: MED13 (mediator complex subunit 13; minus strand). Cytogenetic location: 17q23.2.
Variant type: single nucleotide variant.
Coding change: c.1344G>A on transcript NM_005121.3 (MANE Select); coding-DNA position 1344, G replaced by A.
Protein change: p.Gln448=; no amino-acid change (glutamine 448 retained).
Molecular consequence: synonymous variant.
Genome position (GRCh38, 1-based): chr17:62,011,173, C>T on the plus strand (G>A on the coding strand, the complement: MED13 is on the minus strand). VCF-style: chr17-62011173-C-T. GRCh37 (hg19) VCF-style: chr17-60088534-C-T.
Identifiers: ClinVar variation 2648017 (VCV002648017.24), dbSNP rs540937063, ClinGen allele CA8693068.

ClinVar aggregate classification (germline): Likely benign (1 of 4 stars; one submission).

Allele frequency attached by ClinVar (database versions not stated): ExAC 0.00001; gnomAD 0.00001; TOPMed 0.00001; gnomAD exomes 0.00006.
gnomAD v4.1: 85 of 1,614,026 alleles (0.0053%); highest among the groups gnomAD compares: Non-Finnish European, 0.0071%; no homozygotes.

Submission:

CeGaT Center for Human Genetics Tuebingen
Classification: Likely benign. Last evaluated: 2022-12-01. Review status: criteria provided, single submitter. Criteria: CeGaT Center For Human Genetics Tuebingen Variant Classification Criteria Version 2. Collection method: clinical testing. Allele origin: germline. Affected: yes. Observed: 1 variant allele.
Comment: MED13: BP4, BP7